The following is an entry in ClinVar:

ClinVar aggregate classification (germline): Likely benign (1 of 4 stars; one submission).

Allele frequency attached by ClinVar (database versions not stated): gnomAD exomes 0.00029; ExAC 0.00077; ESP Exome Variant Server 0.00161; gnomAD 0.00169; TOPMed 0.00184; 1000 Genomes Project 0.00339; 1000 Genomes Project 30x 0.00390.
gnomAD v4.1: 687 of 1,614,188 alleles (0.043%); highest among the groups gnomAD compares: African/African-American, 0.55%; 4 homozygotes.

Submission:

CeGaT Center for Human Genetics Tuebingen
Classification: Likely benign. Last evaluated: 2023-04-01. Review status: criteria provided, single submitter. Criteria: CeGaT Center For Human Genetics Tuebingen Variant Classification Criteria Version 2. Collection method: clinical testing. Allele origin: germline. Affected: yes. Observed: 1 variant allele.
Comment: ENOX1: BS2

NM_001347969.2(ENOX1):c.197A>G (p.Gln66Arg)

Gene: ENOX1 (ecto-NOX disulfide-thiol exchanger 1; minus strand). Cytogenetic location: 13q14.11.
Variant type: single nucleotide variant.
Coding change: c.197A>G on transcript NM_001347969.2 (MANE Select); coding-DNA position 197, A replaced by G.
Protein change: p.Gln66Arg; replaces glutamine 66 with arginine.
Molecular consequence: missense variant.
Genome position (GRCh38, 1-based): chr13:43,411,927, T>C on the plus strand (A>G on the coding strand, the complement: ENOX1 is on the minus strand). VCF-style: chr13-43411927-T-C. GRCh37 (hg19) VCF-style: chr13-43986063-T-C.
Other names: c.197A>G, p.Gln66Arg (NM_001127615.3, NM_001242863.3, NM_001347964.2 and 5 more transcripts); c.302A>G, p.Gln101Arg (NM_001347963.2); c.80A>G, p.Gln27Arg (NM_001347970.2, NM_001347971.2); short protein forms Q101R, Q27R, Q66R.
Identifiers: ClinVar variation 2643794 (VCV002643794.24), dbSNP rs76824578, ClinGen allele CA6968756.